The following is an entry in ClinVar:

NM_002734.5(PRKAR1A):c.-5G>A

Gene: PRKAR1A (protein kinase cAMP-dependent type I regulatory subunit alpha; plus strand). Cytogenetic location: 17q24.2.
Variant type: single nucleotide variant.
Coding change: c.-5G>A on transcript NM_002734.5 (MANE Select); 5 bases upstream of the start codon, G replaced by A.
Molecular consequence: 5 prime UTR variant.
Genome position (GRCh38, 1-based): chr17:68,515,395, G>A. VCF-style: chr17-68515395-G-A. GRCh37 (hg19) VCF-style: chr17-66511536-G-A.
Other names: c.-5G>A (NM_001276289.2, NM_001276290.1, NM_001278433.2 and 4 more transcripts).
Identifiers: ClinVar variation 1750999 (VCV001750999.2), dbSNP rs2509357062, ClinGen allele CA501528106.

ClinVar aggregate classification (germline): Uncertain significance (1 of 4 stars; one submission).

Conditions:
Hereditary cancer-predisposing syndrome. Also called: Hereditary Cancer Syndrome; Hereditary neoplastic syndrome; Neoplastic Syndromes, Hereditary; Tumor predisposition. Identifiers: Orphanet 140162, MedGen C0027672, MeSH D009386, MONDO:0015356.

Submission:

Ambry Genetics
Classification: Uncertain significance for Hereditary cancer-predisposing syndrome. Last evaluated: 2021-04-14. Review status: criteria provided, single submitter. Criteria: Ambry Variant Classification Scheme 2023. Collection method: clinical testing. Allele origin: germline.
Comment: The c.-5G>A variant is located in the 5' untranslated region (5&rsquo; UTR) of the PRKAR1A gene. This variant results from a G to A substitution 5 bases upstream from the first translated codon. This nucleotide position is poorly conserved in available vertebrate species. Since supporting evidence is limited at this time, the clinical significance of this alteration remains unclear.